The following is an entry in ClinVar:

ClinVar aggregate classification (germline): Benign. Review status: criteria provided, multiple submitters, no conflicts (2 of 4 stars). 5 submissions from 3 submitters: Benign (5). Last evaluated 2021-07-01.

Conditions:
Usher syndrome type 1 (USH1). Also called: RETINITIS PIGMENTOSA AND CONGENITAL DEAFNESS. Identifiers: Orphanet 231169, Orphanet 886, MedGen C1568247, MONDO:0010168, OMIM 276900.
Autosomal dominant nonsyndromic hearing loss 11. Identifiers: Orphanet 90635, MedGen C1832475, MONDO:0011032, OMIM 601317.
Autosomal recessive nonsyndromic hearing loss 2. Also called: DEAFNESS, AUTOSOMAL RECESSIVE 2; NEUROSENSORY NONSYNDROMIC RECESSIVE DEAFNESS 2. Identifiers: Orphanet 90636, MedGen C1838701, MONDO:0010807, OMIM 600060.

Allele frequency attached by ClinVar (database versions not stated): 1000 Genomes Project 30x 0.86930; 1000 Genomes Project 0.87141; TOPMed 0.91431; gnomAD 0.92122 and 0.92365; ESP Exome Variant Server 0.92978; gnomAD exomes 0.95476.
gnomAD v4.1: 1,532,907 of 1,611,614 alleles (95%); highest among the groups gnomAD compares: Non-Finnish European, 97%; 730,763 homozygotes.

Submissions (5):

Genome-Nilou Lab
Classification: Benign for Autosomal dominant nonsyndromic hearing loss 11. Last evaluated: 2021-07-01. Review status: criteria provided, single submitter. Criteria: ACMG Guidelines, 2015. Collection method: clinical testing. Allele origin: germline. Affected: no.

Genome-Nilou Lab
Classification: Benign for Autosomal recessive nonsyndromic hearing loss 2. Last evaluated: 2021-07-01. Review status: criteria provided, single submitter. Criteria: ACMG Guidelines, 2015. Collection method: clinical testing. Allele origin: germline. Affected: no.

Genome-Nilou Lab
Classification: Benign for Usher syndrome type 1. Last evaluated: 2021-07-01. Review status: criteria provided, single submitter. Criteria: ACMG Guidelines, 2015. Collection method: clinical testing. Allele origin: germline. Affected: no.

GeneDx
Classification: Benign. Last evaluated: 2018-06-13. Review status: criteria provided, single submitter. Criteria: GeneDx Variant Classification (06012015). Collection method: clinical testing. Allele origin: germline. Affected: yes.
Comment: This variant is considered likely benign or benign based on one or more of the following criteria: it is a conservative change, it occurs at a poorly conserved position in the protein, it is predicted to be benign by multiple in silico algorithms, and/or has population frequency not consistent with disease.

Breakthrough Genomics
Classification: Benign. Review status: criteria provided, single submitter. Criteria: ACMG Guidelines, 2015. Collection method: not provided. Allele origin: germline. Inheritance: Autosomal recessive inheritance. Affected: yes.

NM_000260.4(MYO7A):c.6558+51G>T

Gene: MYO7A (myosin VIIA; plus strand). Cytogenetic location: 11q13.5.
Variant type: single nucleotide variant.
Coding change: c.6558+51G>T on transcript NM_000260.4 (MANE Select); 51 bases into the intron after coding-DNA position 6558, G replaced by T.
Molecular consequence: intron variant.
Genome position (GRCh38, 1-based): chr11:77,214,030, G>T. VCF-style: chr11-77214030-G-T. GRCh37 (hg19) VCF-style: chr11-76925075-G-T.
Other names: c.6411+51G>T (NM_001369365.1); c.6438+51G>T (NM_001127180.2).
Identifiers: ClinVar variation 670385 (VCV000670385.5), dbSNP rs948959, ClinGen allele CA13533915.
Genomic context (GRCh38, chr11:77,214,030, plus strand): 5'-GACGTCACTGGTGAGGGCGCATCCTGCTGGGCCTAGTGGGCTCCCTGCCTTGCCTGCAGC[G>T]TAGCCAGCCTCCCAGGGCCTGGAACAAACACAGTAGTGTGCGGCTGGGCCTGGGGTCGTG-3'